The following is an entry in ClinVar:

ClinVar aggregate classification (germline): Uncertain significance (1 of 4 stars; one submission).

Conditions:
Inborn genetic diseases. Identifiers: MedGen C0950123, MeSH D030342.

Allele frequency attached by ClinVar (database versions not stated): ExAC 0.00001.

Submission:

Ambry Genetics
Classification: Uncertain significance for Inborn genetic diseases. Last evaluated: 2020-08-11. Review status: criteria provided, single submitter. Criteria: Ambry Variant Classification Scheme 2023. Collection method: clinical testing. Allele origin: germline.
Comment: The p.Q22E variant (also known as c.64C>G), located in coding exon 1 of the VRK1 gene, results from a C to G substitution at nucleotide position 64. The glutamine at codon 22 is replaced by glutamic acid, an amino acid with highly similar properties. This amino acid position is not well conserved in available vertebrate species. In addition, this alteration is predicted to be tolerated by in silico analysis. Since supporting evidence is limited at this time, the clinical significance of this alteration remains unclear.

NM_003384.3(VRK1):c.64C>G (p.Gln22Glu)

Gene: VRK1 (VRK serine/threonine kinase 1; plus strand). Cytogenetic location: 14q32.2.
Variant type: single nucleotide variant.
Coding change: c.64C>G on transcript NM_003384.3 (MANE Select); coding-DNA position 64, C replaced by G.
Protein change: p.Gln22Glu; replaces glutamine 22 with glutamic acid.
Molecular consequence: missense variant.
Genome position (GRCh38, 1-based): chr14:96,833,535, C>G. VCF-style: chr14-96833535-C-G. GRCh37 (hg19) VCF-style: chr14-97299872-C-G.
Other names: c.64C>G, p.Gln22Glu (NM_001411051.1, NM_001411053.1); short protein forms Q22E.
Identifiers: ClinVar variation 1753892 (VCV001753892.2), dbSNP rs750425644, ClinGen allele CA7338845.